The following is an entry in ClinVar:

NM_000138.5(FBN1):c.6739+1G>C

Gene: FBN1 (fibrillin 1; minus strand). Cytogenetic location: 15q21.1.
Variant type: single nucleotide variant.
Coding change: c.6739+1G>C on transcript NM_000138.5 (MANE Select); the canonical splice donor site of the intron after coding-DNA position 6739, G replaced by C.
Molecular consequence: splice donor variant.
Genome position (GRCh38, 1-based): chr15:48,432,865, C>G on the plus strand (G>C on the coding strand, the complement: FBN1 is on the minus strand). VCF-style: chr15-48432865-C-G. GRCh37 (hg19) VCF-style: chr15-48725062-C-G.
Other names: c.6739+1G>C (LRG_778t1, NM_001406716.1).
Identifiers: ClinVar variation 16436 (VCV000016436.19), dbSNP rs869025419, ClinGen allele CA392333153.

ClinVar aggregate classification (germline): Likely pathogenic. Review status: criteria provided, single submitter (1 of 4 stars). 2 submissions from 2 submitters: Likely pathogenic (1). 1 of the submissions does not count toward it. Last evaluated 2021-03-01.

Conditions:
Marfan syndrome (MFS). Also called: FBN1-Related Marfan Syndrome; Marfan syndrome type 1; Marfan's syndrome; Marfan syndrome, classic; MARFAN SYNDROME, TYPE I. Identifiers: Orphanet 284963, Orphanet 558, MedGen C0024796, MONDO:0007947, OMIM 154700.

Submissions (2):

Centre of Medical Genetics, University of Antwerp
Classification: Likely pathogenic for Marfan syndrome. Last evaluated: 2021-03-01. Review status: criteria provided, single submitter. Criteria: Submitter's publication. Collection method: research. Allele origin: unknown. Affected: yes.
Comment: PM2, PS7, PP4

OMIM
Classification: Pathogenic for MARFAN SYNDROME. Last evaluated: 1995-12-01. Review status: no assertion criteria provided. Collection method: literature only. Allele origin: germline. Not counted in ClinVar's aggregate classification.

Literature cited by the submitters: PubMed 8101042 (cited by OMIM); PubMed 8750301 (cited by OMIM).